The following is an entry in ClinVar:

ClinVar aggregate classification (germline): Uncertain significance (1 of 4 stars; one submission).

Allele frequency attached by ClinVar (database versions not stated): gnomAD 0.00001; TOPMed 0.00003.
gnomAD v4.1: 16 of 1,614,112 alleles (0.00099%); highest among the groups gnomAD compares: East Asian, 0.033%; 1 homozygote.

Submission:

GeneDx
Classification: Uncertain significance. Last evaluated: 2014-03-17. Review status: criteria provided, single submitter. Criteria: GeneDx Variant Classification (06012015). Collection method: clinical testing. Allele origin: germline. Affected: yes.
Comment: p.Ile183Met (ATC>ATG): c.549 C>G in exon 5 of the CHRNB2 gene (NM_000748.2). The I183M variant has not been published as a mutation, nor has it been reported as a benign polymorphism to our knowledge. It was not observed in approximately 6,500 individuals of European and African American ancestry in the NHLBI Exome Sequencing Project, indicating it is not a common benign variant in these populations. This substitution occurs at a position that is well conserved across species and in silico analysis predicts this variant is probably damaging to the protein structure/function. However, the I183M variant is a conservative amino acid substitution, which is not likely to impact secondary protein structure as these residues share similar properties. Additionally, this amino acid substitution does not occur within the transmembrane region of the protein, where the vast majority of pathogenic missense mutations have been identified in association with epilepsy (Steinlein et al., 2010). Therefore, based on the currently available information, it is unclear whether this variant is a pathogenic mutation or a rare benign variant. The variant is found in EPILEPSY panel(s).

NM_000748.3(CHRNB2):c.549C>G (p.Ile183Met)

Gene: CHRNB2 (cholinergic receptor nicotinic beta 2 subunit; plus strand). Cytogenetic location: 1q21.3.
Variant type: single nucleotide variant.
Coding change: c.549C>G on transcript NM_000748.3 (MANE Select); coding-DNA position 549, C replaced by G.
Protein change: p.Ile183Met; replaces isoleucine 183 with methionine.
Molecular consequence: missense variant.
Genome position (GRCh38, 1-based): chr1:154,571,372, C>G. VCF-style: chr1-154571372-C-G. GRCh37 (hg19) VCF-style: chr1-154543848-C-G.
Other names: p.I183M:ATC>ATG; short protein forms I183M.
Identifiers: ClinVar variation 205067 (VCV000205067.2), dbSNP rs776372933, ClinGen allele CA313651.
Genomic context (GRCh38, chr1:154,571,372, plus strand): 5'-ATTTGACCAGCAGAACTGCACCATGAAGTTCCGTTCGTGGACCTACGACCGCACAGAGAT[C>G]GACTTGGTGCTGAAGAGTGAGGTGGCCAGCCTGGACGACTTCACACCTAGTGGTGAGTGG-3'
Protein context (NP_000739.1, residues 173-193): FRSWTYDRTE[Ile183Met]DLVLKSEVAS